The following is an entry in ClinVar:

ClinVar aggregate classification (germline): Uncertain significance (1 of 4 stars; one submission).

Submission:

Ambry Genetics
Classification: Uncertain significance. Last evaluated: 2025-03-30. Review status: criteria provided, single submitter. Criteria: Ambry Variant Classification Scheme 2023. Collection method: clinical testing. Allele origin: germline.
Comment: The p.A2035V variant (also known as c.6104C>T), located in coding exon 24 of the WNK2 gene, results from a C to T substitution at nucleotide position 6104. The alanine at codon 2035 is replaced by valine, an amino acid with similar properties. This amino acid position is conserved. In addition, this alteration is predicted to be tolerated by in silico analysis. Based on the available evidence, the clinical significance of this variant remains unclear.

NM_006648.4(WNK2):c.6104C>T (p.Ala2035Val)

Gene: WNK2 (WNK lysine deficient protein kinase 2; plus strand). Cytogenetic location: 9q22.31.
Variant type: single nucleotide variant.
Coding change: c.6104C>T on transcript NM_006648.4 (MANE Select); coding-DNA position 6104, C replaced by T.
Protein change: p.Ala2035Val; replaces alanine 2035 with valine.
Molecular consequence: missense variant.
Genome position (GRCh38, 1-based): chr9:93,299,250, C>T. VCF-style: chr9-93299250-C-T. GRCh37 (hg19) VCF-style: chr9-96061532-C-T.
Other names: c.6215C>T, p.Ala2072Val (NM_001282394.3); short protein forms A2072V, A2035V.
Identifiers: ClinVar variation 3981765 (VCV003981765.1).